The following is an entry in ClinVar:

ClinVar aggregate classification (germline): Uncertain significance (1 of 4 stars; one submission).

Conditions:
Left ventricular noncompaction 8 (LVNC8). Identifiers: Orphanet 154, Orphanet 54260, MedGen C3809288, MONDO:0014152, OMIM 615373.

gnomAD v4.1: 2 of 1,606,770 alleles (0.00012%); highest among the groups gnomAD compares: Non-Finnish European, 0.00017%; no homozygotes.

Submission:

Labcorp Genetics (formerly Invitae), Labcorp
Classification: Uncertain significance for Left ventricular noncompaction 8. Last evaluated: 2023-06-14. Review status: criteria provided, single submitter. Criteria: Invitae Variant Classification Sherloc (09022015). Collection method: clinical testing. Allele origin: germline.
Comment: This variant has not been reported in the literature in individuals affected with PRDM16-related conditions. This variant is not present in population databases (gnomAD no frequency). This sequence change replaces histidine, which is basic and polar, with glutamine, which is neutral and polar, at codon 672 of the PRDM16 protein (p.His672Gln). In summary, the available evidence is currently insufficient to determine the role of this variant in disease. Therefore, it has been classified as a Variant of Uncertain Significance. An algorithm developed to predict the effect of missense changes on protein structure and function (PolyPhen-2) suggests that this variant is likely to be disruptive.

NM_022114.4(PRDM16):c.2016C>G (p.His672Gln)

Gene: PRDM16 (PR/SET domain 16; plus strand). Cytogenetic location: 1p36.32.
Variant type: single nucleotide variant.
Coding change: c.2016C>G on transcript NM_022114.4 (MANE Select); coding-DNA position 2016, C replaced by G.
Protein change: p.His672Gln; replaces histidine 672 with glutamine.
Molecular consequence: missense variant.
Genome position (GRCh38, 1-based): chr1:3,412,213, C>G. VCF-style: chr1-3412213-C-G. GRCh37 (hg19) VCF-style: chr1-3328777-C-G.
Other names: c.2016C>G, p.His672Gln (NM_199454.3); short protein forms H672Q.
Identifiers: ClinVar variation 2899336 (VCV002899336.3), dbSNP rs2523885348, ClinGen allele CA337999505.
Genomic context (GRCh38, chr1:3,412,213, plus strand): 5'-CTTGGCGCCCCCGGGGGCCCCGAACAGCGTGGCCGAGGTGCCTGTCTTCTATTCCCAGCA[C>G]TCATTCTTCCCGCCACCCGACGAGCAGCTGCTGACTGCAACGGGCGCCGCCGGGGACTCC-3'
Protein context (NP_071397.3, residues 662-682): VAEVPVFYSQ[His672Gln]SFFPPPDEQL